The following is an entry in ClinVar:

ClinVar aggregate classification (germline): Likely benign (1 of 4 stars; one submission).

Conditions:
Catecholaminergic polymorphic ventricular tachycardia (CVPT). Also called: Catecholamine-induced polymorphic ventricular tachycardia. Identifiers: Orphanet 3286, MedGen C5574922, MONDO:0017990.

Submission:

All of Us Research Program, National Institutes of Health
Classification: Likely benign for Catecholaminergic polymorphic ventricular tachycardia. Last evaluated: 2023-04-10. Review status: criteria provided, single submitter. Criteria: ACMG Guidelines, 2015. Collection method: clinical testing. Allele origin: germline. Inheritance: Autosomal dominant inheritance. Observed: 1 variant allele, 1 heterozygote.
Comment: This study involves interpretation of variants in research participants for the purpose of population health screening. Participant phenotype was not available at the time of variant classification. Additional details can be found in publication PMID: 35346344, PMCID: PMC8962531

NM_001035.3(RYR2):c.10347G>A (p.Arg3449=)

Gene: RYR2 (ryanodine receptor 2; plus strand). Cytogenetic location: 1q43.
Variant type: single nucleotide variant.
Coding change: c.10347G>A on transcript NM_001035.3 (MANE Select); coding-DNA position 10347, G replaced by A.
Protein change: p.Arg3449=; no amino-acid change (arginine 3449 retained).
Molecular consequence: synonymous variant.
Genome position (GRCh38, 1-based): chr1:237,717,221, G>A. VCF-style: chr1-237717221-G-A. GRCh37 (hg19) VCF-style: chr1-237880521-G-A.
Identifiers: ClinVar variation 3070456 (VCV003070456.1), dbSNP rs1451117799, ClinGen allele CA423819867.